The following is an entry in ClinVar:

ClinVar aggregate classification (germline): Likely benign. Review status: criteria provided, single submitter (1 of 4 stars). 2 submissions from 2 submitters: Likely benign (1). 1 of the submissions does not count toward it. Last evaluated 2026-01-12.

Conditions:
COL4A3-related disorder. Also called: COL4A3-Related Disorders; COL4A3-related condition.

Allele frequency attached by ClinVar (database versions not stated): gnomAD exomes 0.00001; ExAC 0.00002; gnomAD 0.00005; TOPMed 0.00005; ESP Exome Variant Server 0.00008.
gnomAD v4.1: 25 of 1,613,800 alleles (0.0015%); highest among the groups gnomAD compares: East Asian, 0.0067%; no homozygotes.

Submissions (2):

Labcorp Genetics (formerly Invitae), Labcorp
Classification: Likely benign. Last evaluated: 2026-01-12. Review status: criteria provided, single submitter. Criteria: Invitae Variant Classification Sherloc (09022015). Collection method: clinical testing. Allele origin: germline.

PreventionGenetics, part of Exact Sciences
Classification: Likely benign for COL4A3-related condition. Last evaluated: 2021-04-26. Review status: no assertion criteria provided. Collection method: clinical testing. Allele origin: germline. Not counted in ClinVar's aggregate classification.
Comment: This variant is classified as likely benign based on ACMG/AMP sequence variant interpretation guidelines (Richards et al. 2015 PMID: 25741868, with internal and published modifications).

NM_000091.5(COL4A3):c.2847C>T (p.His949=)

Genes: COL4A3 (collagen type IV alpha 3 chain; plus strand), MFF-DT (MFF divergent transcript; minus strand). Cytogenetic location: 2q36.3.
Variant type: single nucleotide variant.
Coding change: c.2847C>T on transcript NM_000091.5 (MANE Select); coding-DNA position 2847, C replaced by T.
Protein change: p.His949=; no amino-acid change (histidine 949 retained).
Molecular consequence: synonymous variant.
Genome position (GRCh38, 1-based): chr2:227,284,311, C>T. VCF-style: chr2-227284311-C-T. GRCh37 (hg19) VCF-style: chr2-228149027-C-T.
Identifiers: ClinVar variation 764478 (VCV000764478.11), dbSNP rs373842619, ClinGen allele CA2147039.